The following is an entry in ClinVar:

ClinVar aggregate classification (germline): Uncertain significance (1 of 4 stars; one submission).

Conditions:
Hereditary cancer-predisposing syndrome. Also called: Hereditary Cancer Syndrome; Tumor predisposition; Hereditary neoplastic syndrome; Neoplastic Syndromes, Hereditary. Identifiers: Orphanet 140162, MedGen C0027672, MeSH D009386, MONDO:0015356.
Cardiovascular phenotype. Identifiers: MedGen CN230736.

Submission:

Ambry Genetics
Classification: Uncertain significance for Cardiovascular phenotype; Hereditary cancer-predisposing syndrome. Last evaluated: 2024-10-11. Review status: criteria provided, single submitter. Criteria: Ambry Variant Classification Scheme 2023. Collection method: clinical testing. Allele origin: germline.
Comment: The p.S2151T variant (also known as c.6451T>A), located in coding exon 42 of the NF1 gene, results from a T to A substitution at nucleotide position 6451. The serine at codon 2151 is replaced by threonine, an amino acid with similar properties. This amino acid position is conserved. In addition, the in silico prediction for this alteration is inconclusive. Based on the available evidence, the clinical significance of this variant remains unclear.

NM_001042492.3(NF1):c.6514T>A (p.Ser2172Thr)

Gene: NF1 (neurofibromin 1; plus strand). Cytogenetic location: 17q11.2.
Variant type: single nucleotide variant.
Coding change: c.6514T>A on transcript NM_001042492.3 (MANE Select); coding-DNA position 6514, T replaced by A.
Protein change: p.Ser2172Thr; replaces serine 2172 with threonine.
Molecular consequence: missense variant.
Genome position (GRCh38, 1-based): chr17:31,337,454, T>A. VCF-style: chr17-31337454-T-A. GRCh37 (hg19) VCF-style: chr17-29664472-T-A.
Other names: c.6451T>A, p.Ser2151Thr (NM_000267.4); short protein forms S2151T, S2172T.
Identifiers: ClinVar variation 3404620 (VCV003404620.1).